The following is an entry in ClinVar:

NM_024577.4(SH3TC2):c.1849G>A (p.Ala617Thr)

Gene: SH3TC2 (SH3 domain and tetratricopeptide repeats 2; minus strand). Cytogenetic location: 5q32.
Variant type: single nucleotide variant.
Coding change: c.1849G>A on transcript NM_024577.4 (MANE Select); coding-DNA position 1849, G replaced by A.
Protein change: p.Ala617Thr; replaces alanine 617 with threonine.
Molecular consequence: missense variant.
Genome position (GRCh38, 1-based): chr5:149,027,883, C>T on the plus strand (G>A on the coding strand, the complement: SH3TC2 is on the minus strand). VCF-style: chr5-149027883-C-T. GRCh37 (hg19) VCF-style: chr5-148407446-C-T.
Other names: short protein forms A617T.
Identifiers: ClinVar variation 1986522 (VCV001986522.4), dbSNP rs2531773098, ClinGen allele CA361667598.

ClinVar aggregate classification (germline): Uncertain significance (1 of 4 stars; one submission).

Conditions:
Charcot-Marie-Tooth disease type 4. Also called: Charcot-Marie-Tooth, Type 4; Charcot-Marie-Tooth disease, type IV. Identifiers: Orphanet 64749, MedGen C4082197, MONDO:0018995.

Submission:

Labcorp Genetics (formerly Invitae), Labcorp
Classification: Uncertain significance for Charcot-Marie-Tooth disease type 4. Last evaluated: 2022-08-09. Review status: criteria provided, single submitter. Criteria: Invitae Variant Classification Sherloc (09022015). Collection method: clinical testing. Allele origin: germline.
Comment: This sequence change replaces alanine, which is neutral and non-polar, with threonine, which is neutral and polar, at codon 617 of the SH3TC2 protein (p.Ala617Thr). This variant is not present in population databases (gnomAD no frequency). This variant has not been reported in the literature in individuals affected with SH3TC2-related conditions. In summary, the available evidence is currently insufficient to determine the role of this variant in disease. Therefore, it has been classified as a Variant of Uncertain Significance. Advanced modeling of protein sequence and biophysical properties (such as structural, functional, and spatial information, amino acid conservation, physicochemical variation, residue mobility, and thermodynamic stability) performed at Invitae indicates that this missense variant is not expected to disrupt SH3TC2 protein function.